The following is an entry in ClinVar:

ClinVar aggregate classification (germline): Uncertain significance. Review status: criteria provided, multiple submitters, no conflicts (2 of 4 stars). 2 submissions from 2 submitters: Uncertain significance (2). Last evaluated 2024-10-30.

Conditions:
Cardiomyopathy (CMYO). Also called: Cardiomyopathies. Identifiers: Orphanet 167848, MedGen C0878544, MONDO:0004994, HP:0001638. Inheritance: Various modes of inheritance.
Cardiovascular phenotype. Identifiers: MedGen CN230736.

Allele frequency attached by ClinVar (database versions not stated): gnomAD exomes 0.00001.
gnomAD v4.1: 3 of 1,613,788 alleles (0.00019%); highest among the groups gnomAD compares: East Asian, 0.0067%; no homozygotes.

Submissions (2):

Ambry Genetics
Classification: Uncertain significance for Cardiovascular phenotype. Last evaluated: 2024-10-30. Review status: criteria provided, single submitter. Criteria: Ambry Variant Classification Scheme 2023. Collection method: clinical testing. Allele origin: germline.

Color Diagnostics, LLC DBA Color Health
Classification: Uncertain significance for Cardiomyopathy. Last evaluated: 2024-03-06. Review status: criteria provided, single submitter. Criteria: ACMG Guidelines, 2015. Collection method: clinical testing. Allele origin: germline.
Comment: This missense variant replaces glycine with arginine at codon 2870 of the DSP protein. Computational prediction suggests that this variant may not impact protein structure and function (internally defined REVEL score threshold <= 0.5, PMID: 27666373). Splice site prediction tools suggest that this variant may not impact RNA splicing. To our knowledge, functional studies have not been performed for this variant. This variant has not been reported in individuals affected with cardiovascular disorders in the literature. This variant has been identified in 2/249760 chromosomes in the general population by the Genome Aggregation Database (gnomAD). The available evidence is insufficient to determine the role of this variant in disease conclusively. Therefore, this variant is classified as a Variant of Uncertain Significance.

NM_004415.4(DSP):c.8608G>A (p.Gly2870Arg)

Gene: DSP (desmoplakin; plus strand). Cytogenetic location: 6p24.3.
Variant type: single nucleotide variant.
Coding change: c.8608G>A on transcript NM_004415.4 (MANE Select); coding-DNA position 8608, G replaced by A.
Protein change: p.Gly2870Arg; replaces glycine 2870 with arginine.
Molecular consequence: missense variant.
Genome position (GRCh38, 1-based): chr6:7,585,870, G>A. VCF-style: chr6-7585870-G-A. GRCh37 (hg19) VCF-style: chr6-7586103-G-A.
Other names: c.6811G>A, p.Gly2271Arg (NM_001008844.3); c.7279G>A, p.Gly2427Arg (NM_001319034.2); short protein forms G2427R, G2870R, G2271R.
Identifiers: ClinVar variation 924961 (VCV000924961.5), dbSNP rs1258855325, ClinGen allele CA362695485.